The following is an entry in ClinVar:

NM_005045.4(RELN):c.1398G>A (p.Met466Ile)

Genes: RELN (reelin; minus strand), LOC126860131 (MED14-independent group 3 enhancer GRCh37_chr7:103301048-103302247; plus strand). Cytogenetic location: 7q22.1.
Variant type: single nucleotide variant.
Coding change: c.1398G>A on transcript NM_005045.4 (MANE Select); coding-DNA position 1398, G replaced by A.
Protein change: p.Met466Ile; replaces methionine 466 with isoleucine.
Molecular consequence: missense variant.
Genome position (GRCh38, 1-based): chr7:103,661,419, C>T on the plus strand (G>A on the coding strand, the complement: RELN is on the minus strand). VCF-style: chr7-103661419-C-T. GRCh37 (hg19) VCF-style: chr7-103301866-C-T.
Other names: c.1398G>A, p.Met466Ile (NM_173054.3); short protein forms M466I.
Identifiers: ClinVar variation 2633561 (VCV002633561.1), dbSNP rs2484858684, ClinGen allele CA368768097.

ClinVar aggregate classification (germline): Uncertain significance (1 of 4 stars; one submission).

Conditions:
RELN-related disorder. Also called: RELN-related condition.

Submission:

PreventionGenetics, part of Exact Sciences
Classification: Uncertain significance for RELN-related condition. Last evaluated: 2023-03-13. Review status: criteria provided, single submitter. Criteria: ACMG Guidelines, 2015. Collection method: clinical testing. Allele origin: germline.
Comment: The RELN c.1398G>A variant is predicted to result in the amino acid substitution p.Met466Ile. To our knowledge, this variant has not been reported in the literature or in a large population database, indicating this variant is rare. At this time, the clinical significance of this variant is uncertain due to the absence of conclusive functional and genetic evidence.